The following is an entry in ClinVar:

NM_015272.5(RPGRIP1L):c.2432del (p.Pro811fs)

Gene: RPGRIP1L (RPGRIP1 like; minus strand). Cytogenetic location: 16q12.2.
Variant type: Deletion.
Coding change: c.2432del on transcript NM_015272.5 (MANE Select); coding-DNA position 2432, one base deleted (C; older notation c.2432delC).
Protein change: p.Pro811fs; shifts the reading frame from proline 811.
Molecular consequence: frameshift variant.
Genome position (GRCh38, 1-based): chr16:53,645,876, G deleted on the plus strand (C on the coding strand, the reverse complement: RPGRIP1L is on the minus strand); the first of 2 consecutive G bases (chr16:53,645,876-53,645,877); deleting either gives the same sequence. VCF-style (leftmost placement, unchanged base first): chr16-53645875-TG-T. GRCh37 (hg19) VCF-style: chr16-53679787-TG-T.
Other names: c.2432del, p.Pro811fs (NM_001127897.4, NM_001308334.3, NM_001330538.2); c.2432delC (NM_015272.4); short protein forms P811fs.
Identifiers: ClinVar variation 1069014 (VCV001069014.10), dbSNP rs1966511029, ClinGen allele CA912996019.

ClinVar aggregate classification (germline): Pathogenic/Likely pathogenic. Review status: criteria provided, multiple submitters, no conflicts (2 of 4 stars). 4 submissions from 4 submitters: Pathogenic (1); Likely pathogenic (2). 1 of the submissions does not count toward it. Last evaluated 2026-01-18.

Conditions:
RPGRIP1L-related disorder. Also called: RPGRIP1L-related disorders; RPGRIP1L-related condition. Identifiers: MedGen CN239416.
Meckel syndrome, type 5 (MKS5). Identifiers: Orphanet 564, MedGen C1969052, MONDO:0012695, OMIM 611561.
COACH syndrome 3. Identifiers: MedGen C5436841, MONDO:0030862, OMIM 619113.
Joubert syndrome 7 (JBTS7). Identifiers: Orphanet 220497, MedGen C1969053, MONDO:0012694, OMIM 611560.
Meckel-Gruber syndrome. Also called: DYSENCEPHALIA SPLANCHNOCYSTICA; GRUBER SYNDROME; Dysencephalia splachnocystica. Identifiers: Orphanet 564, MedGen C0265215, MONDO:0018921.
Joubert syndrome. Also called: JOUBERT-BOLTSHAUSER SYNDROME; Familial aplasia of the vermis. Identifiers: Orphanet 475, MedGen C5979921, MONDO:0018772.

Submissions (4):

Labcorp Genetics (formerly Invitae), Labcorp
Classification: Pathogenic for Joubert syndrome; Meckel-Gruber syndrome. Last evaluated: 2026-01-18. Review status: criteria provided, single submitter. Criteria: Invitae Variant Classification Sherloc (09022015). Collection method: clinical testing. Allele origin: germline.
Comment: This sequence change creates a premature translational stop signal (p.Pro811Hisfs*38) in the RPGRIP1L gene. It is expected to result in an absent or disrupted protein product. Loss-of-function variants in RPGRIP1L are known to be pathogenic (PMID: 17558409). This variant is not present in population databases (gnomAD no frequency). This variant has not been reported in the literature in individuals affected with RPGRIP1L-related conditions. ClinVar contains an entry for this variant (Variation ID: 1069014). For these reasons, this variant has been classified as Pathogenic.

Natera, Inc.
Classification: Likely pathogenic for Joubert syndrome. Last evaluated: 2025-04-17. Review status: criteria provided, single submitter. Criteria: Natera Variant Classification Schema (03/2026). Collection method: clinical testing. Allele origin: germline.
Comment: The c.2432delC variant in RPGRIP1L is a frameshift variant predicted to shift the reading frame beginning at codon 811 and leads to a stop codon 38 codons downstream. This variant is expected to result in nonsense mediated decay, truncation, or a dysfunctional protein product. This variant is rare in the general population with a frequency below the threshold expected for the associated phenotype(s). Given the available evidence, this variant is classified as Likely Pathogenic.

Fulgent Genetics
Classification: Likely pathogenic for Joubert syndrome 7; Meckel syndrome, type 5; COACH syndrome 3. Last evaluated: 2024-04-23. Review status: criteria provided, single submitter. Criteria: ACMG Guidelines, 2015. Collection method: clinical testing. Allele origin: germline.

PreventionGenetics, part of Exact Sciences
Classification: Likely pathogenic for RPGRIP1L-related condition. Last evaluated: 2024-04-09. Review status: no assertion criteria provided. Collection method: clinical testing. Allele origin: germline. Not counted in ClinVar's aggregate classification.
Comment: The RPGRIP1L c.2432delC variant is predicted to result in a frameshift and premature protein termination (p.Pro811Hisfs*38). To our knowledge, this variant has not been reported in the literature or in a large population database, indicating this variant is rare. Frameshift variants in RPGRIP1L are expected to be pathogenic. This variant is interpreted as likely pathogenic.

Literature cited by the submitters: PubMed 17558409 (cited by Labcorp Genetics (formerly Invitae), Labcorp).